The following is an entry in ClinVar:

ClinVar aggregate classification (germline): Benign/Likely benign. Review status: criteria provided, multiple submitters, no conflicts (2 of 4 stars). 6 submissions from 6 submitters: Benign (5); Likely benign (1). Last evaluated 2026-05-12.

Conditions:
Thyroid hormone resistance, generalized, autosomal dominant (GRTHD). Also called: HYPERTHYROXINEMIA, FAMILIAL EUTHYROID, SECONDARY TO PITUITARY AND PERIPHERAL RESISTANCE TO THYROID HORMONES. Identifiers: MedGen C2937288, MONDO:0008569, OMIM 188570.

Allele frequency attached by ClinVar (database versions not stated): gnomAD exomes 0.02657; 1000 Genomes Project 30x 0.01093; 1000 Genomes Project 0.01138; TOPMed 0.01989; ESP Exome Variant Server 0.02430; gnomAD 0.02471 and 0.02498; ExAC 0.02654.
gnomAD v4.1: 51,619 of 1,614,182 alleles (3.2%); highest among the groups gnomAD compares: Non-Finnish European, 3.5%; 1,020 homozygotes.

Submissions (6):

Women's Health and Genetics/Laboratory Corporation of America, LabCorp
Classification: Benign. Last evaluated: 2026-05-12. Review status: criteria provided, single submitter. Criteria: LabCorp Variant Classification Summary - May 2015. Collection method: clinical testing. Allele origin: germline.

Blueprint Genetics
Classification: Likely benign. Last evaluated: 2024-11-26. Review status: criteria provided, single submitter. Criteria: ACMG Guidelines, 2015. Collection method: clinical testing. Allele origin: germline.

Quest Diagnostics Nichols Institute San Juan Capistrano
Classification: Benign. Last evaluated: 2019-09-06. Review status: criteria provided, single submitter. Criteria: Quest Diagnostics criteria. Collection method: clinical testing. Allele origin: unknown.

Illumina Laboratory Services, Illumina
Classification: Benign for Thyroid hormone resistance, generalized, autosomal dominant. Last evaluated: 2018-01-12. Review status: criteria provided, single submitter. Criteria: ICSL Variant Classification Criteria 13 December 2019. Collection method: clinical testing. Allele origin: germline.
Comment: This variant was observed in the ICSL laboratory as part of a predisposition screen in an ostensibly healthy population. It had not been previously curated by ICSL or reported in the Human Gene Mutation Database (HGMD: prior to June 1st, 2018), and was therefore a candidate for classification through an automated scoring system. Utilizing variant allele frequency, disease prevalence and penetrance estimates, and inheritance mode, an automated score was calculated to assess if this variant is too frequent to cause the disease. Based on the score and internal cut-off values, a variant classified as benign is not then subjected to further curation. The score for this variant resulted in a classification of benign for this disease.

Breakthrough Genomics
Classification: Benign. Review status: criteria provided, single submitter. Criteria: ACMG Guidelines, 2015. Collection method: not provided. Allele origin: germline. Inheritance: Autosomal recessive inheritance. Affected: yes.

PreventionGenetics, part of Exact Sciences
Classification: Benign. Review status: criteria provided, single submitter. Criteria: ACMG Guidelines, 2015. Collection method: clinical testing. Allele origin: germline.

Literature cited by the submitters: PubMed 30976996 (cited by Quest Diagnostics Nichols Institute San Juan Capistrano); PubMed 18844476 (cited by Quest Diagnostics Nichols Institute San Juan Capistrano).

NM_001354712.2(THRB):c.1251T>C (p.Phe417=)

Gene: THRB (thyroid hormone receptor beta; minus strand). Cytogenetic location: 3p24.2.
Variant type: single nucleotide variant.
Coding change: c.1251T>C on transcript NM_001354712.2 (MANE Select); coding-DNA position 1251, T replaced by C.
Protein change: p.Phe417=; no amino-acid change (phenylalanine 417 retained).
Molecular consequence: synonymous variant.
Genome position (GRCh38, 1-based): chr3:24,123,019, A>G on the plus strand (T>C on the coding strand, the complement: THRB is on the minus strand). VCF-style: chr3-24123019-A-G. GRCh37 (hg19) VCF-style: chr3-24164510-A-G.
Other names: c.1251T>C, p.Phe417= (NM_000461.5, NM_001128176.3, NM_001128177.2 and 6 more transcripts); c.1158T>C, p.Phe386= (NM_001354714.2, NM_001354715.2).
Identifiers: ClinVar variation 257670 (VCV000257670.12), dbSNP rs13081063, ClinGen allele CA2287087.